The following is an entry in ClinVar:

NC_000016.9:g.(?_68349883)_(68732303_?)del

Genes: CDH3 (cadherin 3; plus strand), PRMT7 (protein arginine methyltransferase 7; plus strand), SMPD3 (sphingomyelin phosphodiesterase 3; minus strand), ZFP90 (ZFP90 zinc finger protein; plus strand). Cytogenetic location: 16q22.1.
Variant type: Deletion.
Identifiers: ClinVar variation 2424241 (VCV002424241.4).

ClinVar aggregate classification (germline): Pathogenic (1 of 4 stars; one submission).

Submission:

Labcorp Genetics (formerly Invitae), Labcorp
Classification: Pathogenic. Last evaluated: 2022-11-01. Review status: criteria provided, single submitter. Criteria: Invitae Variant Classification Sherloc (09022015). Collection method: clinical testing. Allele origin: germline.
Comment: For these reasons, this variant has been classified as Pathogenic. This variant has not been reported in the literature in individuals affected with CDH3-related conditions. A gross deletion of the genomic region encompassing the full coding sequence of the CDH3 gene has been identified. Loss-of-function variants in CDH3 are known to be pathogenic (PMID: 15805154, 27386845, 29620724). The boundaries of this event are unknown as they extend beyond the assayed region for this gene and therefore may encompass additional genes.

Literature cited by the submitters: PubMed 15805154; PubMed 27386845; PubMed 29620724.